The following is an entry in ClinVar:

ClinVar aggregate classification (germline): Pathogenic (1 of 4 stars; one submission).

Submission:

Labcorp Genetics (formerly Invitae), Labcorp
Classification: Pathogenic. Last evaluated: 2021-07-22. Review status: criteria provided, single submitter. Criteria: Invitae Variant Classification Sherloc (09022015). Collection method: clinical testing. Allele origin: germline.
Comment: Disruption of the initiator codon has been observed in individual(s) with primary hyperoxaluria type 3 (PMID: 25972204). In at least one individual the data is consistent with the variant being in trans (on the opposite chromosome) from a pathogenic variant. For these reasons, this variant has been classified as Pathogenic. This variant disrupts a region of the HOGA1 protein in which other variant(s) (p.Ala36Val) have been determined to be pathogenic (PMID: 22391140, 24563386; Invitae). This suggests that this is a clinically significant region of the protein, and that variants that disrupt it are likely to be disease-causing. This variant is not present in population databases (ExAC no frequency). This sequence change affects the initiator methionine of the HOGA1 mRNA. The next in-frame methionine is located at codon 100.

Literature cited by the submitters: PubMed 25972204; PubMed 22391140; PubMed 24563386.

NM_138413.4(HOGA1):c.3G>T (p.Met1Ile)

Gene: HOGA1 (4-hydroxy-2-oxoglutarate aldolase 1; plus strand). Cytogenetic location: 10q24.2.
Variant type: single nucleotide variant.
Coding change: c.3G>T on transcript NM_138413.4 (MANE Select); coding-DNA position 3, G replaced by T.
Protein change: p.Met1Ile; changes the start codon (methionine 1).
Molecular consequence: missense variant, initiator codon variant.
Genome position (GRCh38, 1-based): chr10:97,584,706, G>T. VCF-style: chr10-97584706-G-T. GRCh37 (hg19) VCF-style: chr10-99344463-G-T.
Other names: c.3G>T, p.Met1Ile (NM_001134670.2); short protein forms M1I.
Identifiers: ClinVar variation 1452928 (VCV001452928.6), dbSNP rs2135711169, ClinGen allele CA377966862.